The following is an entry in ClinVar:

NM_000266.4(NDP):c.186G>T (p.Leu62=)

Genes: NDP (norrin cystine knot growth factor NDP; minus strand), NDP-AS1 (NDP antisense RNA 1; plus strand). Cytogenetic location: Xp11.3.
Variant type: single nucleotide variant.
Coding change: c.186G>T on transcript NM_000266.4 (MANE Select); coding-DNA position 186, G replaced by T.
Protein change: p.Leu62=; no amino-acid change (leucine 62 retained).
Molecular consequence: synonymous variant. On other transcripts: non-coding transcript variant (1).
Genome position (GRCh38, 1-based): chrX:43,950,015, C>A on the plus strand (G>T on the coding strand, the complement: NDP is on the minus strand). VCF-style: chrX-43950015-C-A. GRCh37 (hg19) VCF-style: chrX-43809261-C-A.
Identifiers: ClinVar variation 2673226 (VCV002673226.23), dbSNP rs751217173, ClinGen allele CA10391418.

ClinVar aggregate classification (germline): Likely benign (1 of 4 stars; one submission).

Allele frequency attached by ClinVar (database versions not stated): gnomAD 0.00002; gnomAD exomes 0.00008; ExAC 0.00017.
gnomAD v4.1: 41 of 1,199,195 alleles (0.0034%); highest among the groups gnomAD compares: Middle Eastern, 0.07%; 1 homozygote.

Submission:

CeGaT Center for Human Genetics Tuebingen
Classification: Likely benign. Last evaluated: 2023-10-01. Review status: criteria provided, single submitter. Criteria: CeGaT Center For Human Genetics Tuebingen Variant Classification Criteria Version 2. Collection method: clinical testing. Allele origin: germline. Affected: yes. Observed: 1 variant allele.
Comment: NDP: BP4, BS2